The following is an entry in ClinVar:

ClinVar aggregate classification (germline): Likely pathogenic (1 of 4 stars; one submission).

Conditions:
Aniridia 1 (AN1). Identifiers: Orphanet 250923, MedGen C0344542, MONDO:0024507, OMIM 106210.

Submission:

3billion
Classification: Likely pathogenic for Aniridia 1. Last evaluated: 2024-06-24. Review status: criteria provided, single submitter. Criteria: ACMG Guidelines, 2015. Collection method: clinical testing. Allele origin: germline. Affected: yes.
Comment: The variant is not observed in the gnomAD v4.0.0 dataset. Predicted Consequence/Location: Frameshift: predicted to result in a loss or disruption of normal protein function through protein truncation. Multiple pathogenic variants are reported in the predicted truncated region. The variant has been reported to be associated with PAX6 related disorder (PMID: 28488383). Therefore, this variant is classified as Likely pathogenic according to the recommendation of ACMG/AMP guideline.

Literature cited by the submitters: PubMed 28488383.

NM_001368894.2(PAX6):c.1191_1194del (p.Pro399fs)

Gene: PAX6 (paired box 6; minus strand). Cytogenetic location: 11p13.
Variant type: Deletion.
Coding change: c.1191_1194del on transcript NM_001368894.2 (MANE Select); coding-DNA positions 1191 to 1194, 4 bases deleted (TCAG; older notation c.1191_1194delTCAG).
Protein change: p.Pro399fs; shifts the reading frame from proline 399.
Molecular consequence: frameshift variant. On other transcripts: non-coding transcript variant (1), intron variant (9).
Genome position (GRCh38, 1-based): chr11:31,790,741-31,790,744, CTGA deleted on the plus strand (TCAG on the coding strand, the reverse complement: PAX6 is on the minus strand); deleting any 4 consecutive bases within chr11:31,790,741-31,790,747 gives the same sequence; the c. name uses the placement nearest the transcript's 3' end. VCF-style (leftmost placement, unchanged base first): chr11-31790740-GCTGA-G. GRCh37 (hg19) VCF-style: chr11-31812288-GCTGA-G.
Other names: c.1149_1152del, p.Pro385fs (NM_000280.6, NM_001127612.3, NM_001258464.2 and 6 more transcripts); c.1191_1194del, p.Pro399fs (NM_001258462.3, NM_001258463.2, NM_001310158.2 and 3 more transcripts); c.741_744del, p.Pro249fs (NM_001310160.2, NM_001310161.3, NM_001368899.2 and 10 more transcripts); c.1392_1395del, p.Pro466fs (NM_001368910.2); c.1266_1269del, p.Pro424fs (NM_001368918.2, NM_001368919.2); c.1224_1227del, p.Pro410fs (NM_001368920.2); c.990_993del, p.Pro332fs (NM_001368922.2, NM_001368923.2, NM_001368924.2 and 3 more transcripts); c.948_951del, p.Pro318fs (NM_001368928.2); and 6 more; short protein forms P184fs, P249fs, P318fs, P332fs, P385fs, P399fs, P410fs, P424fs.
Identifiers: ClinVar variation 4291902 (VCV004291902.1).